The following is an entry in ClinVar:

ClinVar aggregate classification (germline): Benign/Likely benign. Review status: criteria provided, multiple submitters, no conflicts (2 of 4 stars). 8 submissions from 7 submitters: Benign (3); Likely benign (5). Last evaluated 2026-01-27.

Conditions:
Inborn genetic diseases. Identifiers: MedGen C0950123, MeSH D030342.
Seckel syndrome 1 (SCKL1). Also called: MICROCEPHALIC PRIMORDIAL DWARFISM I. Identifiers: Orphanet 808, MedGen C4551474, MONDO:0008869, OMIM 210600.
Familial cutaneous telangiectasia and oropharyngeal predisposition cancer syndrome. Identifiers: Orphanet 313846, MedGen C3281203, MONDO:0013806, OMIM 614564.

Allele frequency attached by ClinVar (database versions not stated): gnomAD exomes 0.00010 and 0.00026; ExAC 0.00027; 1000 Genomes Project 0.00060; 1000 Genomes Project 30x 0.00078; ESP Exome Variant Server 0.00085; gnomAD 0.00095 and 0.00105; TOPMed 0.00116.
gnomAD v4.1: 292 of 1,612,902 alleles (0.018%); highest among the groups gnomAD compares: African/African-American, 0.35%; 2 homozygotes.

Submissions (8):

Labcorp Genetics (formerly Invitae), Labcorp
Classification: Benign. Last evaluated: 2026-01-27. Review status: criteria provided, single submitter. Criteria: Invitae Variant Classification Sherloc (09022015). Collection method: clinical testing. Allele origin: germline.

CeGaT Center for Human Genetics Tuebingen
Classification: Likely benign. Last evaluated: 2024-10-01. Review status: criteria provided, single submitter. Criteria: CeGaT Center For Human Genetics Tuebingen Variant Classification Criteria Version 2. Collection method: clinical testing. Allele origin: germline. Affected: yes. Observed: 1 variant allele.
Comment: ATR: BP4, BP7

Blueprint Genetics
Classification: Likely benign. Last evaluated: 2024-09-20. Review status: criteria provided, single submitter. Criteria: ACMG Guidelines, 2015. Collection method: clinical testing. Allele origin: germline.

KCCC/NGS Laboratory, Kuwait Cancer Control Center
Classification: Likely benign for Familial cutaneous telangiectasia and oropharyngeal predisposition cancer syndrome. Last evaluated: 2023-07-07. Review status: criteria provided, single submitter. Criteria: ACMG Guidelines, 2015. Collection method: clinical testing. Allele origin: germline. Affected: yes.

Genome-Nilou Lab
Classification: Benign for Seckel syndrome 1. Last evaluated: 2023-02-08. Review status: criteria provided, single submitter. Criteria: ACMG Guidelines, 2015. Collection method: clinical testing. Allele origin: germline.

Genome-Nilou Lab
Classification: Benign for Familial cutaneous telangiectasia and oropharyngeal predisposition cancer syndrome. Last evaluated: 2023-02-08. Review status: criteria provided, single submitter. Criteria: ACMG Guidelines, 2015. Collection method: clinical testing. Allele origin: germline.

Ambry Genetics
Classification: Likely benign for Inborn genetic diseases. Last evaluated: 2022-02-23. Review status: criteria provided, single submitter. Criteria: Ambry Variant Classification Scheme 2023. Collection method: clinical testing. Allele origin: germline.

Genetic Services Laboratory, University of Chicago
Classification: Likely benign. Last evaluated: 2016-10-20. Review status: criteria provided, single submitter. Criteria: ACMG Guidelines, 2015. Collection method: clinical testing. Allele origin: germline. Affected: no.

NM_001184.4(ATR):c.2637C>T (p.Ala879=)

Gene: ATR (ATR checkpoint kinase; minus strand). Cytogenetic location: 3q23.
Variant type: single nucleotide variant.
Coding change: c.2637C>T on transcript NM_001184.4 (MANE Select); coding-DNA position 2637, C replaced by T.
Protein change: p.Ala879=; no amino-acid change (alanine 879 retained).
Molecular consequence: synonymous variant.
Genome position (GRCh38, 1-based): chr3:142,553,395, G>A on the plus strand (C>T on the coding strand, the complement: ATR is on the minus strand). VCF-style: chr3-142553395-G-A. GRCh37 (hg19) VCF-style: chr3-142272237-G-A.
Other names: c.2445C>T, p.Ala815= (NM_001354579.2).
Identifiers: ClinVar variation 434451 (VCV000434451.33), dbSNP rs150512706, ClinGen allele CA2650301.